The following is an entry in ClinVar:

NM_001035.3(RYR2):c.1921G>A (p.Asp641Asn)

Gene: RYR2 (ryanodine receptor 2; plus strand). Cytogenetic location: 1q43.
Variant type: single nucleotide variant.
Coding change: c.1921G>A on transcript NM_001035.3 (MANE Select); coding-DNA position 1921, G replaced by A.
Protein change: p.Asp641Asn; replaces aspartic acid 641 with asparagine.
Molecular consequence: missense variant.
Genome position (GRCh38, 1-based): chr1:237,493,047, G>A. VCF-style: chr1-237493047-G-A. GRCh37 (hg19) VCF-style: chr1-237656347-G-A.
Other names: short protein forms D641N.
Identifiers: ClinVar variation 2086088 (VCV002086088.3), dbSNP rs2545803386, ClinGen allele CA345389677.

ClinVar aggregate classification (germline): Uncertain significance (1 of 4 stars; one submission).

Conditions:
Catecholaminergic polymorphic ventricular tachycardia 1. Also called: VENTRICULAR TACHYCARDIA, CATECHOLAMINERGIC POLYMORPHIC, 1, WITH OR WITHOUT ATRIAL DYSFUNCTION AND/OR DILATED CARDIOMYOPATHY; RYR2-Related Catecholaminergic Polymorphic Ventricular Tachycardia; VENTRICULAR TACHYCARDIA, STRESS-INDUCED POLYMORPHIC 1. Identifiers: Orphanet 3286, MedGen C1631597, MONDO:0011484, OMIM 604772.

Submission:

Labcorp Genetics (formerly Invitae), Labcorp
Classification: Uncertain significance for Catecholaminergic polymorphic ventricular tachycardia 1. Last evaluated: 2024-10-09. Review status: criteria provided, single submitter. Criteria: Invitae Variant Classification Sherloc (09022015). Collection method: clinical testing. Allele origin: germline.
Comment: This sequence change replaces aspartic acid, which is acidic and polar, with asparagine, which is neutral and polar, at codon 641 of the RYR2 protein (p.Asp641Asn). This variant is not present in population databases (gnomAD no frequency). This variant has not been reported in the literature in individuals affected with RYR2-related conditions. ClinVar contains an entry for this variant (Variation ID: 2086088). Invitae Evidence Modeling of protein sequence and biophysical properties (such as structural, functional, and spatial information, amino acid conservation, physicochemical variation, residue mobility, and thermodynamic stability) indicates that this missense variant is not expected to disrupt RYR2 protein function with a negative predictive value of 95%. In summary, the available evidence is currently insufficient to determine the role of this variant in disease. Therefore, it has been classified as a Variant of Uncertain Significance.